The following is an entry in ClinVar:

ClinVar aggregate classification (germline): Likely pathogenic (1 of 4 stars; one submission).

Conditions:
Granulomatous disease, chronic, X-linked. Also called: GRANULOMATOUS DISEASE, CHRONIC, X-LINKED, SOMATIC MOSAIC; CYTOCHROME b-NEGATIVE GRANULOMATOUS DISEASE, CHRONIC, X-LINKED. Identifiers: Orphanet 379, MedGen C1844376, MONDO:0010600, OMIM 306400.

Submission:

Labcorp Genetics (formerly Invitae), Labcorp
Classification: Likely pathogenic for Granulomatous disease, chronic, X-linked. Last evaluated: 2023-09-21. Review status: criteria provided, single submitter. Criteria: Invitae Variant Classification Sherloc (09022015). Collection method: clinical testing. Allele origin: germline.
Comment: This missense change has been observed in individuals with chronic granulomatous disease (PMID: 34462840; Invitae). This variant is not present in population databases (gnomAD no frequency). This sequence change replaces arginine, which is basic and polar, with glycine, which is neutral and non-polar, at codon 54 of the CYBB protein (p.Arg54Gly). Advanced modeling of protein sequence and biophysical properties (such as structural, functional, and spatial information, amino acid conservation, physicochemical variation, residue mobility, and thermodynamic stability) performed at Invitae indicates that this missense variant is expected to disrupt CYBB protein function. In summary, the currently available evidence indicates that the variant is pathogenic, but additional data are needed to prove that conclusively. Therefore, this variant has been classified as Likely Pathogenic. This variant disrupts the p.Arg54 amino acid residue in CYBB. Other variant(s) that disrupt this residue have been observed in individuals with CYBB-related conditions (PMID: 7713925, 9667376, 34462840), which suggests that this may be a clinically significant amino acid residue. Experimental studies are conflicting or provide insufficient evidence to determine the effect of this variant on CYBB function (PMID: 21659519).

Literature cited by the submitters: PubMed 34462840; PubMed 7713925; PubMed 9667376; PubMed 21659519.

NM_000397.4(CYBB):c.160A>G (p.Arg54Gly)

Gene: CYBB (cytochrome b-245 beta chain; plus strand). Cytogenetic location: Xp21.1.
Variant type: single nucleotide variant.
Coding change: c.160A>G on transcript NM_000397.4 (MANE Select); coding-DNA position 160, A replaced by G.
Protein change: p.Arg54Gly; replaces arginine 54 with glycine.
Molecular consequence: missense variant.
Genome position (GRCh38, 1-based): chrX:37,783,508, A>G. VCF-style: chrX-37783508-A-G. GRCh37 (hg19) VCF-style: chrX-37642761-A-G.
Other names: short protein forms R54G.
Identifiers: ClinVar variation 2737183 (VCV002737183.3), dbSNP rs932660228, ClinGen allele CA412972728.
Genomic context (GRCh38, chrX:37,783,508, plus strand): 5'-TGCTCAAAAAAGTCACTCTGCTCCCTTTCCCGCCTCTTCTAGTCAGCACTGGCACTGGCC[A>G]GGGCCCCTGCAGCCTGCCTGAATTTCAACTGCATGCTGATTCTCTTGCCAGTCTGTCGAA-3'
Protein context (NP_000388.2, residues 44-64): KLLGSALALA[Arg54Gly]APAACLNFNC